The following is an entry in ClinVar:

NM_177438.3(DICER1):c.5036A>T (p.Asn1679Ile)

Gene: DICER1 (dicer 1, ribonuclease III; minus strand). Cytogenetic location: 14q32.13.
Variant type: single nucleotide variant.
Coding change: c.5036A>T on transcript NM_177438.3 (MANE Select); coding-DNA position 5036, A replaced by T.
Protein change: p.Asn1679Ile; replaces asparagine 1679 with isoleucine.
Molecular consequence: missense variant. On other transcripts: non-coding transcript variant (6).
Genome position (GRCh38, 1-based): chr14:95,095,884, T>A on the plus strand (A>T on the coding strand, the complement: DICER1 is on the minus strand). VCF-style: chr14-95095884-T-A. GRCh37 (hg19) VCF-style: chr14-95562221-T-A.
Other names: c.5036A>T, p.Asn1679Ile (NM_001195573.1, NM_001271282.3, NM_001291628.2 and 13 more transcripts); c.4754A>T, p.Asn1585Ile (NM_001395686.1); c.4631A>T, p.Asn1544Ile (NM_001395687.1, NM_001395688.1, NM_001395689.1 and 2 more transcripts); c.4469A>T, p.Asn1490Ile (NM_001395691.1); c.3353A>T, p.Asn1118Ile (NM_001395697.1); short protein forms N1490I, N1585I, N1544I, N1118I, N1679I.
Identifiers: ClinVar variation 2703533 (VCV002703533.3), dbSNP rs1424077753, ClinGen allele CA390866042.

ClinVar aggregate classification (germline): Uncertain significance (1 of 4 stars; one submission).

Conditions:
DICER1-related tumor predisposition. Also called: DICER1 syndrome; DICER1-related pleuropulmonary blastoma cancer predisposition syndrome. Identifiers: Orphanet 284343, MedGen C3839822, MONDO:0100216.

Submission:

Labcorp Genetics (formerly Invitae), Labcorp
Classification: Uncertain significance for DICER1-related tumor predisposition. Last evaluated: 2023-12-16. Review status: criteria provided, single submitter. Criteria: Invitae Variant Classification Sherloc (09022015). Collection method: clinical testing. Allele origin: germline.
Comment: This sequence change replaces asparagine, which is neutral and polar, with isoleucine, which is neutral and non-polar, at codon 1679 of the DICER1 protein (p.Asn1679Ile). This variant is not present in population databases (gnomAD no frequency). This variant has not been reported in the literature in individuals affected with DICER1-related conditions. Advanced modeling of protein sequence and biophysical properties (such as structural, functional, and spatial information, amino acid conservation, physicochemical variation, residue mobility, and thermodynamic stability) performed at Invitae indicates that this missense variant is expected to disrupt DICER1 protein function with a positive predictive value of 80%. In summary, the available evidence is currently insufficient to determine the role of this variant in disease. Therefore, it has been classified as a Variant of Uncertain Significance.